The following is an entry in ClinVar:

ClinVar aggregate classification (germline): Conflicting classifications of pathogenicity. Review status: criteria provided, conflicting classifications (1 of 4 stars). 4 submissions from 4 submitters: Uncertain significance (3); Likely benign (1). Last evaluated 2025-06-15.

Conditions:
Mowat-Wilson syndrome (MOWS). Also called: Classic Mowat-Wilson Syndrome. Identifiers: Orphanet 2152, MedGen C1856113, MONDO:0009341, OMIM 235730.

Allele frequency attached by ClinVar (database versions not stated): ExAC 0.00001; gnomAD exomes 0.00001; gnomAD 0.00003; TOPMed 0.00005.
gnomAD v4.1: 11 of 1,613,340 alleles (0.00068%); highest among the groups gnomAD compares: African/African-American, 0.012%; no homozygotes.

Submissions (4):

Labcorp Genetics (formerly Invitae), Labcorp
Classification: Uncertain significance for Mowat-Wilson syndrome. Last evaluated: 2025-06-15. Review status: criteria provided, single submitter. Criteria: Invitae Variant Classification Sherloc (09022015). Collection method: clinical testing. Allele origin: germline.
Comment: This sequence change falls in intron 8 of the ZEB2 gene. It does not directly change the encoded amino acid sequence of the ZEB2 protein. It affects a nucleotide within the consensus splice site. This variant is present in population databases (rs754532627, gnomAD 0.02%). This variant has not been reported in the literature in individuals affected with ZEB2-related conditions. ClinVar contains an entry for this variant (Variation ID: 281633). Variants that disrupt the consensus splice site are a relatively common cause of aberrant splicing (PMID: 17576681, 9536098). Algorithms developed to predict the effect of sequence changes on RNA splicing suggest that this variant is not likely to affect RNA splicing. In summary, the available evidence is currently insufficient to determine the role of this variant in disease. Therefore, it has been classified as a Variant of Uncertain Significance.

Genome-Nilou Lab
Classification: Uncertain significance for Mowat-Wilson syndrome. Last evaluated: 2021-11-07. Review status: criteria provided, single submitter. Criteria: ACMG Guidelines, 2015. Collection method: clinical testing. Allele origin: germline. Affected: no.

GeneDx
Classification: Likely benign. Last evaluated: 2016-05-30. Review status: criteria provided, single submitter. Criteria: GeneDx Variant Classification (06012015). Collection method: clinical testing. Allele origin: germline. Affected: yes.
Comment: This variant is considered likely benign or benign based on one or more of the following criteria: it is a conservative change, it occurs at a poorly conserved position in the protein, it is predicted to be benign by multiple in silico algorithms, and/or has population frequency not consistent with disease.

Eurofins Ntd Llc (ga)
Classification: Uncertain significance. Last evaluated: 2015-07-23. Review status: criteria provided, single submitter. Criteria: EGL Classification Definitions 2015. Collection method: clinical testing. Allele origin: germline. Observed: 1 variant allele, 1 heterozygote.

Literature cited by the submitters: PubMed 17576681 (cited by Labcorp Genetics (formerly Invitae), Labcorp); PubMed 9536098 (cited by Labcorp Genetics (formerly Invitae), Labcorp).

NM_014795.4(ZEB2):c.2886+4A>C

Gene: ZEB2 (zinc finger E-box binding homeobox 2; minus strand). Cytogenetic location: 2q22.3.
Variant type: single nucleotide variant.
Coding change: c.2886+4A>C on transcript NM_014795.4 (MANE Select); 4 bases into the intron after coding-DNA position 2886, A replaced by C.
Molecular consequence: intron variant.
Genome position (GRCh38, 1-based): chr2:144,398,297, T>G on the plus strand (A>C on the coding strand, the complement: ZEB2 is on the minus strand). VCF-style: chr2-144398297-T-G. GRCh37 (hg19) VCF-style: chr2-145155864-T-G.
Other names: c.2814+4A>C (NM_001171653.2).
Identifiers: ClinVar variation 281633 (VCV000281633.14), dbSNP rs754532627, ClinGen allele CA1898204.
Genomic context (GRCh38, chr2:144,398,297, plus strand): 5'-ATGCACATAATCAAAATAATTGCCACCTCTTTTCTTCATAGCAGAAAAACATTTGTCTCT[T>G]TACCTGAAATCCTTGTTTCCGCTGGTACTTTCTCCTTTGCTGCATATCAGCAAAAGTAGC-3'